The following is an entry in ClinVar:

NM_020338.4(ZMIZ1):c.1336C>T (p.Pro446Ser)

Gene: ZMIZ1 (zinc finger MIZ-type containing 1; plus strand). Cytogenetic location: 10q22.3.
Variant type: single nucleotide variant.
Coding change: c.1336C>T on transcript NM_020338.4 (MANE Select); coding-DNA position 1336, C replaced by T.
Protein change: p.Pro446Ser; replaces proline 446 with serine.
Molecular consequence: missense variant.
Genome position (GRCh38, 1-based): chr10:79,296,576, C>T. VCF-style: chr10-79296576-C-T. GRCh37 (hg19) VCF-style: chr10-81056333-C-T.
Other names: short protein forms P446S.
Identifiers: ClinVar variation 2572339 (VCV002572339.1), dbSNP rs2492090195, ClinGen allele CA377335937.

ClinVar aggregate classification (germline): Uncertain significance (1 of 4 stars; one submission).

Submission:

Greenwood Genetic Center Diagnostic Laboratories, Greenwood Genetic Center
Classification: Uncertain significance. Last evaluated: 2023-04-18. Review status: criteria provided, single submitter. Criteria: ACMG Guidelines, 2015. Collection method: clinical testing. Allele origin: germline. Affected: yes.
Comment: PM2